The following is an entry in ClinVar:

ClinVar aggregate classification (germline): Uncertain significance. Review status: criteria provided, multiple submitters, no conflicts (2 of 4 stars). 3 submissions from 3 submitters: Uncertain significance (3). Last evaluated 2025-09-15.

Conditions:
Cardiovascular phenotype. Identifiers: MedGen CN230736.
Hypertrophic cardiomyopathy. Also called: HYPERTROPHIC MYOCARDIOPATHY. Identifiers: Orphanet 217569, MedGen C0007194, MeSH D002312, MONDO:0005045, HP:0001639.

Allele frequency attached by ClinVar (database versions not stated): gnomAD exomes below 0.00001; TOPMed 0.00001.
gnomAD v4.1: 4 of 1,613,958 alleles (0.00025%); highest among the groups gnomAD compares: Non-Finnish European, 0.00025%; no homozygotes.

Submissions (3):

Labcorp Genetics (formerly Invitae), Labcorp
Classification: Uncertain significance. Last evaluated: 2025-09-15. Review status: criteria provided, single submitter. Criteria: Invitae Variant Classification Sherloc (09022015). Collection method: clinical testing. Allele origin: germline.
Comment: This sequence change replaces isoleucine, which is neutral and non-polar, with threonine, which is neutral and polar, at codon 1550 of the ALPK3 protein (p.Ile1550Thr). This variant is not present in population databases (gnomAD no frequency). This variant has not been reported in the literature in individuals affected with ALPK3-related conditions. ClinVar contains an entry for this variant (Variation ID: 1742164). Invitae Evidence Modeling of protein sequence and biophysical properties (such as structural, functional, and spatial information, amino acid conservation, physicochemical variation, residue mobility, and thermodynamic stability) indicates that this missense variant is expected to disrupt ALPK3 protein function with a positive predictive value of 80%. In summary, the available evidence is currently insufficient to determine the role of this variant in disease. Therefore, it has been classified as a Variant of Uncertain Significance.

Molecular Genetics, Royal Melbourne Hospital
Classification: Uncertain significance for Hypertrophic cardiomyopathy. Last evaluated: 2025-02-06. Review status: criteria provided, single submitter. Criteria: ACMG Guidelines, 2015. Collection method: clinical testing. Allele origin: germline. Inheritance: Semidominant inheritance. Affected: yes.
Comment: Based on the classification scheme RMH Modified ACMG/AMP Guidelines v1.7.1, this variant is classified as VOUS. Following criteria are met: PM2_Supporting.

Ambry Genetics
Classification: Uncertain significance for Cardiovascular phenotype. Last evaluated: 2022-06-06. Review status: criteria provided, single submitter. Criteria: Ambry Variant Classification Scheme 2023. Collection method: clinical testing. Allele origin: germline.
Comment: The p.I1550T variant (also known as c.4649T>C), located in coding exon 8 of the ALPK3 gene, results from a T to C substitution at nucleotide position 4649. The isoleucine at codon 1550 is replaced by threonine, an amino acid with similar properties. This amino acid position is conserved. In addition, the in silico prediction for this alteration is inconclusive. Since supporting evidence is limited at this time, the clinical significance of this alteration remains unclear.

NM_020778.5(ALPK3):c.4043T>C (p.Ile1348Thr)

Gene: ALPK3 (alpha kinase 3; plus strand). Cytogenetic location: 15q25.3.
Variant type: single nucleotide variant.
Coding change: c.4043T>C on transcript NM_020778.5 (MANE Select); coding-DNA position 4043, T replaced by C.
Protein change: p.Ile1348Thr; replaces isoleucine 1348 with threonine.
Molecular consequence: missense variant.
Genome position (GRCh38, 1-based): chr15:84,859,853, T>C. VCF-style: chr15-84859853-T-C. GRCh37 (hg19) VCF-style: chr15-85403084-T-C.
Other names: short protein forms I1348T.
Identifiers: ClinVar variation 1742164 (VCV001742164.4), dbSNP rs1162689536, ClinGen allele CA393361945.
Genomic context (GRCh38, chr15:84,859,853, plus strand): 5'-CGGCGGCCTTGGCCATCGTGCAGGCCTCCCCCGTAGACTGCGGTGTGTATCGGTGCACCA[T>C]CCACAATGAGCACGGCTCGGCCTCCACCGACTTCTGCCTCAGCCCTGAGGGTGAGTGTGC-3'
Protein context (NP_065829.4, residues 1338-1358): PVDCGVYRCT[Ile1348Thr]HNEHGSASTD